The following is an entry in ClinVar:

NM_004281.4(BAG3):c.1126C>T (p.Pro376Ser)

Gene: BAG3 (BAG cochaperone 3; plus strand). Cytogenetic location: 10q26.11.
Variant type: single nucleotide variant.
Coding change: c.1126C>T on transcript NM_004281.4 (MANE Select); coding-DNA position 1126, C replaced by T.
Protein change: p.Pro376Ser; replaces proline 376 with serine.
Molecular consequence: missense variant.
Genome position (GRCh38, 1-based): chr10:119,676,680, C>T. VCF-style: chr10-119676680-C-T. GRCh37 (hg19) VCF-style: chr10-121436192-C-T.
Other names: c.1126C>T (NM_004281.3); short protein forms P376S.
Identifiers: ClinVar variation 1284504 (VCV001284504.7), dbSNP rs1180366101, ClinGen allele CA378296685.

ClinVar aggregate classification (germline): Uncertain significance. Review status: criteria provided, multiple submitters, no conflicts (2 of 4 stars). 4 submissions from 4 submitters: Uncertain significance (2). 2 of the submissions do not count toward it. Last evaluated 2023-12-01.

Conditions:
Myofibrillar myopathy 6. Identifiers: Orphanet 199340, MedGen C2751831, MONDO:0013061, OMIM 612954.
Dilated cardiomyopathy 1HH (CMD1HH). Identifiers: Orphanet 154, MedGen C3151293, MONDO:0013479, OMIM 613881.

Allele frequency attached by ClinVar (database versions not stated): gnomAD exomes below 0.00001.
gnomAD v4.1: 1 of 1,614,204 alleles (0.000062%); highest among the groups gnomAD compares: Non-Finnish European, 0.000085%; no homozygotes.

Submissions (4):

GeneDx
Classification: Uncertain significance. Last evaluated: 2023-12-01. Review status: criteria provided, single submitter. Criteria: GeneDx Variant Classification Process June 2021. Collection method: clinical testing. Allele origin: germline. Affected: yes.
Comment: Not observed at significant frequency in large population cohorts (gnomAD); In silico analysis supports that this missense variant does not alter protein structure/function; Has not been previously published as pathogenic or benign to our knowledge; This variant is associated with the following publications: (PMID: 20001957)

Labcorp Genetics (formerly Invitae), Labcorp
Classification: Uncertain significance for Dilated cardiomyopathy 1HH; Myofibrillar myopathy 6. Last evaluated: 2023-01-21. Review status: criteria provided, single submitter. Criteria: Invitae Variant Classification Sherloc (09022015). Collection method: clinical testing. Allele origin: germline.
Comment: In summary, the available evidence is currently insufficient to determine the role of this variant in disease. Therefore, it has been classified as a Variant of Uncertain Significance. Advanced modeling of protein sequence and biophysical properties (such as structural, functional, and spatial information, amino acid conservation, physicochemical variation, residue mobility, and thermodynamic stability) performed at Invitae indicates that this missense variant is not expected to disrupt BAG3 protein function. ClinVar contains an entry for this variant (Variation ID: 1284504). This variant has not been reported in the literature in individuals affected with BAG3-related conditions. This variant is present in population databases (no rsID available, gnomAD 0.0009%). This sequence change replaces proline, which is neutral and non-polar, with serine, which is neutral and polar, at codon 376 of the BAG3 protein (p.Pro376Ser).

Clinical Genetics DNA and cytogenetics Diagnostics Lab, Erasmus MC, Erasmus Medical Center
Classification: Uncertain significance. Review status: no assertion criteria provided. Collection method: clinical testing. Allele origin: germline. Affected: yes. Study: VKGL Data-share Consensus. Not counted in ClinVar's aggregate classification.

Clinical Genetics, Academic Medical Center
Classification: Uncertain significance. Review status: no assertion criteria provided. Collection method: clinical testing. Allele origin: germline. Affected: yes. Study: VKGL Data-share Consensus. Not counted in ClinVar's aggregate classification.